The following is an entry in ClinVar:

ClinVar aggregate classification (germline): Likely pathogenic. Review status: criteria provided, single submitter (1 of 4 stars). 2 submissions from 2 submitters: Likely pathogenic (1). 1 of the submissions does not count toward it. Last evaluated 2026-01-05.

Conditions:
Ehlers-Danlos syndrome, type 4 (EDSVASC). Also called: Ehlers-Danlos syndrome vascular type; Ehlers Danlos syndrome, ecchymotic type; Ehlers Danlos syndrome, arterial type; Ehlers Danlos syndrome, Sack-Barabas type; Ehlers-Danlos Syndrome Type IV. Identifiers: Orphanet 286, MedGen C0268338, MONDO:0017314, OMIM 130050.

Allele frequency attached by ClinVar (database versions not stated): ExAC 0.00001; gnomAD 0.00001; 1000 Genomes Project 30x 0.00016.

Submissions (2):

3billion
Classification: Likely pathogenic for Ehlers-Danlos syndrome, type 4. Last evaluated: 2026-01-05. Review status: criteria provided, single submitter. Criteria: ACMG Guidelines, 2015. Collection method: clinical testing. Allele origin: germline. Affected: yes.
Comment: The variant is observed at an extremely low frequency in the gnomAD v4.1.0 dataset (total allele frequency: <0.001%). Predicted Consequence/Location: The variant is located in a mutational hot spot and/or well-established functional domain in which established pathogenic variants have been reported. In silico tool predictions suggest damaging effect of the variant on gene or gene product [REVEL: 0.96 (>=0.6, sensitivity 0.68 and specificity 0.92); 3Cnet: 0.99 (> 0.75, sensitivity 0.96 and precision 0.92)]. The same nucleotide change resulting in the same amino acid change has been previously reported to be associated with COL3A1-related disorder (ClinVar ID: VCV000101483). Therefore, this variant is classified as Likely pathogenic according to the recommendation of ACMG/AMP guideline.

Collagen Diagnostic Laboratory, University of Washington
Classification: Pathogenic for Ehlers-Danlos syndrome, type 4. Review status: no assertion criteria provided. Collection method: clinical testing. Allele origin: germline. Affected: yes. Not counted in ClinVar's aggregate classification.

NM_000090.4(COL3A1):c.539G>A (p.Gly180Asp)

Gene: COL3A1 (collagen type III alpha 1 chain; plus strand). Cytogenetic location: 2q32.2.
Variant type: single nucleotide variant.
Coding change: c.539G>A on transcript NM_000090.4 (MANE Select); coding-DNA position 539, G replaced by A.
Protein change: p.Gly180Asp; replaces glycine 180 with aspartic acid.
Molecular consequence: missense variant.
Genome position (GRCh38, 1-based): chr2:188,988,091, G>A. VCF-style: chr2-188988091-G-A. GRCh37 (hg19) VCF-style: chr2-189852817-G-A.
Identifiers: ClinVar variation 101483 (VCV000101483.3), dbSNP rs587779714, ClinGen allele CA006917.
Genomic context (GRCh38, chr2:188,988,091, plus strand): 5'-GTGTATTTTGCATTCATTTATTTTGTTTTTCATTCAAATTCACATTCCAGGGCCCCCCAG[G>A]CCCTCCCGGTCCCCCTGGTACATCTGGTCATCCTGGTTCCCCTGTAAGTATAGCCATTGG-3'
Protein context (NP_000081.2, residues 170-190): AGYPGPAGPP[Gly180Asp]PPGPPGTSGH